The following is an entry in ClinVar:

NM_032043.3(BRIP1):c.2812G>T (p.Glu938Ter)

Gene: BRIP1 (BRCA1 interacting DNA helicase 1; minus strand). Cytogenetic location: 17q23.2.
Variant type: single nucleotide variant.
Coding change: c.2812G>T on transcript NM_032043.3 (MANE Select); coding-DNA position 2812, G replaced by T.
Protein change: p.Glu938Ter; replaces glutamic acid 938 with a stop codon.
Molecular consequence: nonsense.
Genome position (GRCh38, 1-based): chr17:61,685,929, C>A on the plus strand (G>T on the coding strand, the complement: BRIP1 is on the minus strand). VCF-style: chr17-61685929-C-A. GRCh37 (hg19) VCF-style: chr17-59763290-C-A.
Other names: short protein forms E938*.
Identifiers: ClinVar variation 1457529 (VCV001457529.7), dbSNP rs199643061, ClinGen allele CA400481480.

ClinVar aggregate classification (germline): Pathogenic (1 of 4 stars; one submission).

Conditions:
Familial cancer of breast. Also called: hereditary breast carcinoma; BREAST CANCER, FAMILIAL; Hereditary breast cancer. Identifiers: Orphanet 227535, MedGen C0346153, MONDO:0016419, OMIM 114480. Disease mechanism: loss of function.
Fanconi anemia complementation group J. Also called: BRIP1-Related Fanconi Anemia. Identifiers: Orphanet 84, MedGen C1836860, MONDO:0012187, OMIM 609054.

Submission:

Labcorp Genetics (formerly Invitae), Labcorp
Classification: Pathogenic for Familial cancer of breast; Fanconi anemia complementation group J. Last evaluated: 2021-01-31. Review status: criteria provided, single submitter. Criteria: Invitae Variant Classification Sherloc (09022015). Collection method: clinical testing. Allele origin: germline.
Comment: For these reasons, this variant has been classified as Pathogenic. This variant has not been reported in the literature in individuals with BRIP1-related conditions. This variant is not present in population databases (ExAC no frequency). This sequence change creates a premature translational stop signal (p.Glu938*) in the BRIP1 gene. It is expected to result in an absent or disrupted protein product. Loss-of-function variants in BRIP1 are known to be pathogenic (PMID: 16116423, 17033622, 21964575).

Literature cited by the submitters: PubMed 16116423; PubMed 17033622; PubMed 21964575.